The following is an entry in ClinVar:

NM_014921.5(ADGRL1):c.3793C>T (p.Arg1265Ter)

Genes: ADGRL1 (adhesion G protein-coupled receptor L1; minus strand), ADGRL1-AS1 (ADGRL1 antisense RNA 1; plus strand). Cytogenetic location: 19p13.12.
Variant type: single nucleotide variant.
Coding change: c.3793C>T on transcript NM_014921.5 (MANE Select); coding-DNA position 3793, C replaced by T.
Protein change: p.Arg1265Ter; replaces arginine 1265 with a stop codon.
Molecular consequence: nonsense.
Genome position (GRCh38, 1-based): chr19:14,151,490, G>A on the plus strand (C>T on the coding strand, the complement: ADGRL1 is on the minus strand). VCF-style: chr19-14151490-G-A. GRCh37 (hg19) VCF-style: chr19-14262302-G-A.
Other names: c.3808C>T, p.Arg1270Ter (NM_001008701.3); short protein forms R1265*, R1270*.
Identifiers: ClinVar variation 4884210 (VCV004884210.2).
Genomic context (GRCh38, chr19:14,151,490, plus strand): 5'-GCACCAGCTCTGAGATGATCATCTTCTCAAAGGCCGCCGCATCGGCTAGGTTCCGGCCTC[G>A]GGGCGGCTCAGGGCCCCCATCCCCGGGAGGGAAATCCCCACTTCGCAAGGAGTAACTGTT-3'

ClinVar aggregate classification (germline): Likely pathogenic (1 of 4 stars; one submission).

Conditions:
Developmental delay, behavioral abnormalities, and neuropsychiatric disorders (DEDBANP). Identifiers: MedGen C5774224, MONDO:0859292, OMIM 620065.

Submission:

Dasa
Classification: Likely pathogenic for Developmental delay, behavioral abnormalities, and neuropsychiatric disorders. Last evaluated: 2025-11-24. Review status: criteria provided, single submitter. Criteria: DASA Assertion Criteria. Collection method: clinical testing. Allele origin: germline.
Comment: NM_014921.5(ADGRL1):c.3793C>T (p.Arg1265*) is a nonsense variant in ADGRL1 predicted to introduce a premature termination codon and is predicted to result in an absent or altered protein product. Loss of function is an established disease mechanism for ADGRL1-associated disorders. Also, this variant is absent from population databases. Based on the currently available evidence, this variant is classified as likely pathogenic.